The following is an entry in ClinVar:

NM_014967.5(FAN1):c.1156G>A (p.Val386Ile)

Gene: FAN1 (FANCD2 and FANCI associated nuclease 1; plus strand). Cytogenetic location: 15q13.3.
Variant type: single nucleotide variant.
Coding change: c.1156G>A on transcript NM_014967.5 (MANE Select); coding-DNA position 1156, G replaced by A.
Protein change: p.Val386Ile; replaces valine 386 with isoleucine.
Molecular consequence: missense variant.
Genome position (GRCh38, 1-based): chr15:30,905,819, G>A. VCF-style: chr15-30905819-G-A. GRCh37 (hg19) VCF-style: chr15-31198022-G-A.
Other names: c.1156G>A, p.Val386Ile (NM_001146095.1, NM_001146096.2, NM_001146094.2); short protein forms V386I.
Identifiers: ClinVar variation 3665528 (VCV003665528.2).

ClinVar aggregate classification (germline): Uncertain significance (1 of 4 stars; one submission).

gnomAD v4.1: 1 of 1,613,978 alleles (0.000062%); highest among the groups gnomAD compares: Non-Finnish European, 0.000085%; no homozygotes.

Submission:

Labcorp Genetics (formerly Invitae), Labcorp
Classification: Uncertain significance. Last evaluated: 2024-12-24. Review status: criteria provided, single submitter. Criteria: Invitae Variant Classification Sherloc (09022015). Collection method: clinical testing. Allele origin: germline.
Comment: This sequence change replaces valine, which is neutral and non-polar, with isoleucine, which is neutral and non-polar, at codon 386 of the FAN1 protein (p.Val386Ile). This variant is not present in population databases (gnomAD no frequency). This variant has not been reported in the literature in individuals affected with FAN1-related conditions. An algorithm developed to predict the effect of missense changes on protein structure and function outputs the following: PolyPhen-2: "Benign". The isoleucine amino acid residue is found in multiple mammalian species, which suggests that this missense change does not adversely affect protein function. In summary, the available evidence is currently insufficient to determine the role of this variant in disease. Therefore, it has been classified as a Variant of Uncertain Significance.